The following is an entry in ClinVar:

ClinVar aggregate classification (germline): Likely benign. Review status: criteria provided, multiple submitters, no conflicts (2 of 4 stars). 4 submissions from 4 submitters: Likely benign (4). Last evaluated 2026-06-01.

Allele frequency attached by ClinVar (database versions not stated): ExAC 0.00005; gnomAD exomes 0.00006 and 0.00004; TOPMed 0.00008; gnomAD 0.00009.
gnomAD v4.1: 108 of 1,614,084 alleles (0.0067%); highest among the groups gnomAD compares: Middle Eastern, 0.049%; no homozygotes.

Submissions (4):

CeGaT Center for Human Genetics Tuebingen
Classification: Likely benign. Last evaluated: 2026-06-01. Review status: criteria provided, single submitter. Criteria: CeGaT Center For Human Genetics Tuebingen Variant Classification Criteria Version 2. Collection method: clinical testing. Allele origin: germline. Affected: yes. Observed: 1 variant allele.
Comment: IGF1R: BP4, BP7

Labcorp Genetics (formerly Invitae), Labcorp
Classification: Likely benign. Last evaluated: 2026-01-28. Review status: criteria provided, single submitter. Criteria: Invitae Variant Classification Sherloc (09022015). Collection method: clinical testing. Allele origin: germline.

Blueprint Genetics
Classification: Likely benign. Last evaluated: 2024-02-13. Review status: criteria provided, single submitter. Criteria: ACMG Guidelines, 2015. Collection method: clinical testing. Allele origin: germline.

Breakthrough Genomics
Classification: Likely benign. Review status: criteria provided, single submitter. Criteria: ACMG Guidelines, 2015. Collection method: not provided. Allele origin: germline. Inheritance: Autosomal dominant inheritance. Affected: yes.

NM_000875.5(IGF1R):c.1371C>T (p.Ser457=)

Gene: IGF1R (insulin like growth factor 1 receptor; plus strand). Cytogenetic location: 15q26.3.
Variant type: single nucleotide variant.
Coding change: c.1371C>T on transcript NM_000875.5 (MANE Select); coding-DNA position 1371, C replaced by T.
Protein change: p.Ser457=; no amino-acid change (serine 457 retained).
Molecular consequence: synonymous variant.
Genome position (GRCh38, 1-based): chr15:98,908,808, C>T. VCF-style: chr15-98908808-C-T. GRCh37 (hg19) VCF-style: chr15-99452037-C-T.
Other names: c.1371C>T, p.Ser457= (NM_001291858.2).
Identifiers: ClinVar variation 765665 (VCV000765665.10), dbSNP rs375300684, ClinGen allele CA7752075.